The following is an entry in ClinVar:

ClinVar aggregate classification (germline): Uncertain significance. Review status: criteria provided, multiple submitters, no conflicts (2 of 4 stars). 2 submissions from 2 submitters: Uncertain significance (2). Last evaluated 2026-04-07.

Conditions:
Metachromatic leukodystrophy (MLD). Also called: Arylsulfatase A Deficiency; SULFATIDE LIPIDOSIS; Cerebral sclerosis diffuse metachromatic form; ARSA DEFICIENCY; CEREBROSIDE SULFATASE DEFICIENCY; METACHROMATIC LEUKOENCEPHALOPATHY. Identifiers: Orphanet 512, MedGen C0023522, MONDO:0018868, OMIM 250100.

Allele frequency attached by ClinVar (database versions not stated): gnomAD exomes below 0.00001.

Submissions (2):

Myriad Genetics, Inc.
Classification: Uncertain significance for Metachromatic leukodystrophy. Last evaluated: 2026-04-07. Review status: criteria provided, single submitter. Criteria: Myriad Autosomal Dominant, Autosomal Recessive and X-Linked Classification Criteria (2023). Collection method: clinical testing. Allele origin: unknown.
Comment: NM_000487.5(ARSA):c.1201T>C(F401L) is a missense variant classified as a variant of uncertain significance in the context of metachromatic leukodystrophy. F401L has not been observed in cases with relevant disease. Relevant functional assessments of this variant are available in the literature (PMID: 37480112). F401L has been observed in referenced population frequency databases. In summary, there is insufficient evidence to classify NM_000487.5(ARSA):c.1201T>C(F401L) as pathogenic or benign. Please note: this variant was assessed in the context of healthy population screening.

3billion
Classification: Uncertain significance for Metachromatic leukodystrophy. Last evaluated: 2025-08-21. Review status: criteria provided, single submitter. Criteria: ACMG Guidelines, 2015. Collection method: clinical testing. Allele origin: germline. Affected: yes.
Comment: The variant is observed at an extremely low frequency in the gnomAD v4.1.0 dataset (total allele frequency: <0.001%). Predicted Consequence/Location: Missense variant In silico tool predictions suggest damaging effect of the variant on gene or gene product [REVEL: 0.59 (>=0.6, sensitivity 0.68 and specificity 0.92); 3Cnet: 0.99 (> 0.75, sensitivity 0.96 and precision 0.92)]. A different missense change at the same codon (p.Phe401Ser) has been reported to be associated with ARSA-related disorder (PMID: 30674982). However the evidence of pathogenicity is insufficient at this time. Therefore, this variant is classified as VUS according to the recommendation of ACMG/AMP guideline.

Literature cited by the submitters: PubMed 37480112 (cited by Myriad Genetics, Inc.); PubMed 30674982 (cited by 3billion).

NM_000487.6(ARSA):c.1201T>C (p.Phe401Leu)

Gene: ARSA (arylsulfatase A; minus strand). Cytogenetic location: 22q13.33.
Variant type: single nucleotide variant.
Coding change: c.1201T>C on transcript NM_000487.6 (MANE Select); coding-DNA position 1201, T replaced by C.
Protein change: p.Phe401Leu; replaces phenylalanine 401 with leucine.
Molecular consequence: missense variant.
Genome position (GRCh38, 1-based): chr22:50,625,588, A>G on the plus strand (T>C on the coding strand, the complement: ARSA is on the minus strand). VCF-style: chr22-50625588-A-G. GRCh37 (hg19) VCF-style: chr22-51064016-A-G.
Other names: c.1201T>C, p.Phe401Leu (NM_001085425.3, NM_001085426.3, NM_001085427.3); c.943T>C, p.Phe315Leu (NM_001085428.3, NM_001362782.2); short protein forms F315L, F401L.
Identifiers: ClinVar variation 4854334 (VCV004854334.2), dbSNP rs1339850222.
Genomic context (GRCh38, chr22:50,625,588, plus strand): 5'-TCCGGGGAGGGGTCAGCAGGTCGGGGGGAGGGATCCACGGGGAGGGGTTACCCTGGGTGA[A>G]GAAGTGAGCCTTGTACTTTCCAGTCCGCACAGCAAAAACCCCACGGACCTCGTCTGGGTA-3'
Protein context (NP_000478.3, residues 391-411): VRTGKYKAHF[Phe401Leu]TQGSAHSDTT